The following is an entry in ClinVar:

ClinVar aggregate classification (germline): Uncertain significance (1 of 4 stars; one submission).

gnomAD v4.1: 3 of 1,613,928 alleles (0.00019%); highest among the groups gnomAD compares: Non-Finnish European, 0.00025%; no homozygotes.

Submission:

Labcorp Genetics (formerly Invitae), Labcorp
Classification: Uncertain significance. Last evaluated: 2025-04-28. Review status: criteria provided, single submitter. Criteria: Invitae Variant Classification Sherloc (09022015). Collection method: clinical testing. Allele origin: germline.
Comment: This sequence change replaces glutamine, which is neutral and polar, with histidine, which is basic and polar, at codon 1484 of the RIMS1 protein (p.Gln1484His). This variant is not present in population databases (gnomAD no frequency). This variant has not been reported in the literature in individuals affected with RIMS1-related conditions. ClinVar contains an entry for this variant (Variation ID: 2124779). An algorithm developed to predict the effect of missense changes on protein structure and function (PolyPhen-2) suggests that this variant is likely to be disruptive. In summary, the available evidence is currently insufficient to determine the role of this variant in disease. Therefore, it has been classified as a Variant of Uncertain Significance.

NM_014989.7(RIMS1):c.4452G>T (p.Gln1484His)

Gene: RIMS1 (regulating synaptic membrane exocytosis 1; plus strand). Cytogenetic location: 6q13.
Variant type: single nucleotide variant.
Coding change: c.4452G>T on transcript NM_014989.7 (MANE Select); coding-DNA position 4452, G replaced by T.
Protein change: p.Gln1484His; replaces glutamine 1484 with histidine.
Molecular consequence: missense variant.
Genome position (GRCh38, 1-based): chr6:72,390,683, G>T. VCF-style: chr6-72390683-G-T. GRCh37 (hg19) VCF-style: chr6-73100385-G-T.
Other names: c.1899G>T, p.Gln633His (NM_001350417.2); c.2391G>T, p.Gln797His (NM_001350418.2); c.1671G>T, p.Gln557His (NM_001350419.2); c.2526G>T, p.Gln842His (NM_001350420.2); c.2271G>T, p.Gln757His (NM_001350421.2); c.1896G>T, p.Gln632His (NM_001350422.2); c.2160G>T, p.Gln720His (NM_001350423.2); c.1758G>T, p.Gln586His (NM_001350424.2); and 54 more; short protein forms Q558H, Q582H, Q602H, Q618H, Q648H, Q658H, Q701H, Q714H.
Identifiers: ClinVar variation 2124779 (VCV002124779.4), dbSNP rs2552251489, ClinGen allele CA364819169.